The following is an entry in ClinVar:

ClinVar aggregate classification (germline): Uncertain significance. Review status: criteria provided, multiple submitters, no conflicts (2 of 4 stars). 2 submissions from 2 submitters: Uncertain significance (2). Last evaluated 2022-05-12.

Conditions:
Hereditary cancer-predisposing syndrome. Also called: Hereditary Cancer Syndrome; Neoplastic Syndromes, Hereditary; Tumor predisposition; Hereditary neoplastic syndrome. Identifiers: Orphanet 140162, MedGen C0027672, MeSH D009386, MONDO:0015356.
Bloom syndrome (BLM). Also called: Bloom-Torre-Machacek syndrome. Identifiers: Orphanet 125, MedGen C0005859, MONDO:0008876, OMIM 210900.

Submissions (2):

Ambry Genetics
Classification: Uncertain significance for Hereditary cancer-predisposing syndrome. Last evaluated: 2022-05-12. Review status: criteria provided, single submitter. Criteria: Ambry Variant Classification Scheme 2023. Collection method: clinical testing. Allele origin: germline.
Comment: The p.T165S variant (also known as c.494C>G), located in coding exon 2 of the BLM gene, results from a C to G substitution at nucleotide position 494. The threonine at codon 165 is replaced by serine, an amino acid with similar properties. This amino acid position is conserved. In addition, this alteration is predicted to be tolerated by in silico analysis. Since supporting evidence is limited at this time, the clinical significance of this alteration remains unclear.

Labcorp Genetics (formerly Invitae), Labcorp
Classification: Uncertain significance for Bloom syndrome. Last evaluated: 2022-03-29. Review status: criteria provided, single submitter. Criteria: Invitae Variant Classification Sherloc (09022015). Collection method: clinical testing. Allele origin: germline.
Comment: In summary, the available evidence is currently insufficient to determine the role of this variant in disease. Therefore, it has been classified as a Variant of Uncertain Significance. Algorithms developed to predict the effect of missense changes on protein structure and function output the following: SIFT: "Tolerated"; PolyPhen-2: "Benign"; Align-GVGD: "Class C0". The serine amino acid residue is found in multiple mammalian species, which suggests that this missense change does not adversely affect protein function. This variant has not been reported in the literature in individuals affected with BLM-related conditions. This variant is not present in population databases (gnomAD no frequency). This sequence change replaces threonine, which is neutral and polar, with serine, which is neutral and polar, at codon 165 of the BLM protein (p.Thr165Ser).

NM_000057.4(BLM):c.494C>G (p.Thr165Ser)

Gene: BLM (BLM RecQ like helicase; plus strand). Cytogenetic location: 15q26.1.
Variant type: single nucleotide variant.
Coding change: c.494C>G on transcript NM_000057.4 (MANE Select); coding-DNA position 494, C replaced by G.
Protein change: p.Thr165Ser; replaces threonine 165 with serine.
Molecular consequence: missense variant. On other transcripts: 5 prime UTR variant (1).
Genome position (GRCh38, 1-based): chr15:90,749,762, C>G. VCF-style: chr15-90749762-C-G. GRCh37 (hg19) VCF-style: chr15-91292992-C-G.
Other names: c.494C>G, p.Thr165Ser (NM_001287246.2, NM_001287247.2); c.-798C>G (NM_001287248.2); short protein forms T165S.
Identifiers: ClinVar variation 1744315 (VCV001744315.7), dbSNP rs2505392869, ClinGen allele CA393840912.